The following is an entry in ClinVar:

ClinVar aggregate classification (germline): Conflicting classifications of pathogenicity. Review status: criteria provided, conflicting classifications (1 of 4 stars). 3 submissions from 3 submitters: Uncertain significance (1); Likely benign (2). Last evaluated 2025-12-02.

Conditions:
Gorlin syndrome. Also called: Basal cell nevus syndrome; Nevoid Basal Cell Carcinoma Syndrome. Identifiers: Orphanet 377, MedGen C0004779, MONDO:0007187.
Medulloblastoma (MDB). Also called: Medulloblastoma, somatic; MEDULLOBLASTOMA PREDISPOSITION SYNDROME. Identifiers: Orphanet 616, MedGen C0025149, MeSH D008527, MONDO:0007959, OMIM 155255, HP:0002885.
Hereditary cancer-predisposing syndrome. Also called: Tumor predisposition; Neoplastic Syndromes, Hereditary; Hereditary Cancer Syndrome; Hereditary neoplastic syndrome. Identifiers: Orphanet 140162, MedGen C0027672, MeSH D009386, MONDO:0015356.

Allele frequency attached by ClinVar (database versions not stated): gnomAD exomes below 0.00001; gnomAD 0.00001.
gnomAD v4.1: 3 of 1,613,858 alleles (0.00019%); highest among the groups gnomAD compares: Middle Eastern, 0.05%; no homozygotes.

Submissions (3):

Labcorp Genetics (formerly Invitae), Labcorp
Classification: Likely benign for Gorlin syndrome; Medulloblastoma. Last evaluated: 2025-12-02. Review status: criteria provided, single submitter. Criteria: Invitae Variant Classification Sherloc (09022015). Collection method: clinical testing. Allele origin: germline.

Ambry Genetics
Classification: Likely benign for Hereditary cancer-predisposing syndrome. Last evaluated: 2024-09-10. Review status: criteria provided, single submitter. Criteria: Ambry Variant Classification Scheme 2023. Collection method: clinical testing. Allele origin: germline.

GeneDx
Classification: Uncertain significance. Last evaluated: 2023-06-21. Review status: criteria provided, single submitter. Criteria: GeneDx Variant Classification Process June 2021. Collection method: clinical testing. Allele origin: germline. Affected: yes.
Comment: Not observed at significant frequency in large population cohorts (gnomAD); In silico analysis supports a deleterious effect on splicing; Has not been previously published as pathogenic or benign to our knowledge

NM_016169.4(SUFU):c.882C>T (p.Gly294=)

Gene: SUFU (SUFU negative regulator of hedgehog signaling; plus strand). Cytogenetic location: 10q24.32.
Variant type: single nucleotide variant.
Coding change: c.882C>T on transcript NM_016169.4 (MANE Select); coding-DNA position 882, C replaced by T.
Protein change: p.Gly294=; no amino-acid change (glycine 294 retained).
Molecular consequence: synonymous variant.
Genome position (GRCh38, 1-based): chr10:102,597,265, C>T. VCF-style: chr10-102597265-C-T. GRCh37 (hg19) VCF-style: chr10-104357022-C-T.
Other names: c.882C>T, p.Gly294= (NM_001178133.2).
Identifiers: ClinVar variation 1064154 (VCV001064154.11), dbSNP rs2135882176, ClinGen allele CA471300411.